The following is an entry in ClinVar:

NM_001458.5(FLNC):c.2122-6C>G

Genes: FLNC (filamin C; plus strand), LOC129999273 (ATAC-STARR-seq lymphoblastoid silent region 18616; plus strand). Cytogenetic location: 7q32.1.
Variant type: single nucleotide variant.
Coding change: c.2122-6C>G on transcript NM_001458.5 (MANE Select); 6 bases into the intron before coding-DNA position 2122, C replaced by G.
Molecular consequence: intron variant.
Genome position (GRCh38, 1-based): chr7:128,842,225, C>G. VCF-style: chr7-128842225-C-G. GRCh37 (hg19) VCF-style: chr7-128482279-C-G.
Other names: c.2122-6C>G (NM_001127487.2).
Identifiers: ClinVar variation 834152 (VCV000834152.7), dbSNP rs1808361488, ClinGen allele CA916082321.

ClinVar aggregate classification (germline): Uncertain significance (1 of 4 stars; one submission).

Conditions:
Myofibrillar myopathy 5. Also called: FILAMINOPATHY, AUTOSOMAL DOMINANT; Filaminopathy (type). Identifiers: Orphanet 171445, MedGen C1836050, MONDO:0012289, OMIM 609524.
Distal myopathy with posterior leg and anterior hand involvement. Also called: WILLIAMS DISTAL MYOPATHY. Identifiers: Orphanet 63273, MedGen C3279722, MONDO:0013550, OMIM 614065.
Hypertrophic cardiomyopathy 26. Also called: Cardiomyopathy, familial hypertrophic, 26. Identifiers: Orphanet 75249, MedGen C4310749, MONDO:0014883, OMIM 617047.
Dilated Cardiomyopathy, Dominant.

Submission:

Labcorp Genetics (formerly Invitae), Labcorp
Classification: Uncertain significance for Distal myopathy with posterior leg and anterior hand involvement; Myofibrillar myopathy 5; Hypertrophic cardiomyopathy 26. Last evaluated: 2021-08-13. Review status: criteria provided, single submitter. Criteria: Invitae Variant Classification Sherloc (09022015). Collection method: clinical testing. Allele origin: germline.
Comment: This sequence change falls in intron 13 of the FLNC gene. It does not directly change the encoded amino acid sequence of the FLNC protein. This variant is not present in population databases (ExAC no frequency). This variant has not been reported in the literature in individuals affected with FLNC-related conditions. Algorithms developed to predict the effect of sequence changes on RNA splicing suggest that this variant may disrupt the consensus splice site. In summary, the available evidence is currently insufficient to determine the role of this variant in disease. Therefore, it has been classified as a Variant of Uncertain Significance.